The following is an entry in ClinVar:

ClinVar aggregate classification (germline): Uncertain significance (1 of 4 stars; one submission).

Conditions:
Epidermolysis bullosa simplex 5B, with muscular dystrophy (EBS5B). Also called: Epidermolysis bullosa simplex with muscular dystrophy; EPIDERMOLYSIS BULLOSA SIMPLEX AND LIMB-GIRDLE MUSCULAR DYSTROPHY. Identifiers: Orphanet 257, MedGen C2931072, MONDO:0009181, OMIM 226670.
Epidermolysis bullosa simplex, Ogna type (EBS5A). Also called: Pidermolysis bullosa simplex 5A, Ogna type; EPIDERMOLYSIS BULLOSA SIMPLEX 5A, OGNA TYPE. Identifiers: Orphanet 79401, MedGen C0432317, MONDO:0007555, OMIM 131950.
Epidermolysis bullosa simplex with nail dystrophy (EBS5D). Identifiers: MedGen C4225309, MONDO:0014661, OMIM 616487.
Epidermolysis bullosa simplex 5C, with pyloric atresia (EBS5C). Also called: PLEC1-Related Epidermolysis Bullosa with Pyloric Atresia; PLEC-Related Epidermolysis Bullosa with Pyloric Atresia; Epidermolysis bullosa simplex with pyloric atresia. Identifiers: Orphanet 158684, MedGen C2677349, MONDO:0012807, OMIM 612138.
Autosomal recessive limb-girdle muscular dystrophy type 2Q (LGMDR17). Also called: MUSCULAR DYSTROPHY, LIMB-GIRDLE, AUTOSOMAL RECESSIVE 17. Identifiers: Orphanet 254361, MedGen C3150989, MONDO:0013390, OMIM 613723.

Submission:

Labcorp Genetics (formerly Invitae), Labcorp
Classification: Uncertain significance for Autosomal recessive limb-girdle muscular dystrophy type 2Q; Epidermolysis bullosa simplex, Ogna type; Epidermolysis bullosa simplex with nail dystrophy; Epidermolysis bullosa simplex 5C, with pyloric atresia; Epidermolysis bullosa simplex 5B, with muscular dystrophy. Last evaluated: 2025-10-19. Review status: criteria provided, single submitter. Criteria: Invitae Variant Classification Sherloc (09022015). Collection method: clinical testing. Allele origin: germline.
Comment: This sequence change replaces glutamine, which is neutral and polar, with arginine, which is basic and polar, at codon 924 of the PLEC protein (p.Gln924Arg). This variant is not present in population databases (gnomAD no frequency). This variant has not been reported in the literature in individuals affected with PLEC-related conditions. ClinVar contains an entry for this variant (Variation ID: 1965388). Invitae Evidence Modeling of protein sequence and biophysical properties (such as structural, functional, and spatial information, amino acid conservation, physicochemical variation, residue mobility, and thermodynamic stability) indicates that this missense variant is expected to disrupt PLEC protein function with a positive predictive value of 80%. In summary, the available evidence is currently insufficient to determine the role of this variant in disease. Therefore, it has been classified as a Variant of Uncertain Significance.

NM_201384.3(PLEC):c.2690A>G (p.Gln897Arg)

Gene: PLEC (plectin; minus strand). Cytogenetic location: 8q24.3.
Variant type: single nucleotide variant.
Coding change: c.2690A>G on transcript NM_201384.3 (MANE Select); coding-DNA position 2690, A replaced by G.
Protein change: p.Gln897Arg; replaces glutamine 897 with arginine.
Molecular consequence: missense variant.
Genome position (GRCh38, 1-based): chr8:143,929,985, T>C on the plus strand (A>G on the coding strand, the complement: PLEC is on the minus strand). VCF-style: chr8-143929985-T-C. GRCh37 (hg19) VCF-style: chr8-145004153-T-C.
Other names: c.2771A>G, p.Gln924Arg (NM_000445.5, NM_001410941.1); c.2648A>G, p.Gln883Arg (NM_201378.4); c.2624A>G, p.Gln875Arg (NM_201379.3); c.3101A>G, p.Gln1034Arg (NM_201380.4); c.2594A>G, p.Gln865Arg (NM_201381.3); c.2690A>G, p.Gln897Arg (NM_201382.4); c.2702A>G, p.Gln901Arg (NM_201383.3); short protein forms Q1034R, Q865R, Q897R, Q901R, Q875R, Q883R, Q924R.
Identifiers: ClinVar variation 1965388 (VCV001965388.5), dbSNP rs1554712560, ClinGen allele CA372573159.